The following is an entry in ClinVar:

NM_001008537.3(NEXMIF):c.4202G>A (p.Ser1401Asn)

Gene: NEXMIF (neurite extension and migration factor; minus strand). Cytogenetic location: Xq13.3.
Variant type: single nucleotide variant.
Coding change: c.4202G>A on transcript NM_001008537.3 (MANE Select); coding-DNA position 4202, G replaced by A.
Protein change: p.Ser1401Asn; replaces serine 1401 with asparagine.
Molecular consequence: missense variant.
Genome position (GRCh38, 1-based): chrX:74,740,355, C>T on the plus strand (G>A on the coding strand, the complement: NEXMIF is on the minus strand). VCF-style: chrX-74740355-C-T. GRCh37 (hg19) VCF-style: chrX-73960190-C-T.
Other names: short protein forms S1401N.
Identifiers: ClinVar variation 1802006 (VCV001802006.1), dbSNP rs2080098144, ClinGen allele CA413663800.

ClinVar aggregate classification (germline): Uncertain significance (1 of 4 stars; one submission).

Allele frequency attached by ClinVar (database versions not stated): TOPMed below 0.00001; gnomAD 0.00001.
gnomAD v4.1: 1 of 1,210,062 alleles (0.000083%); highest among the groups gnomAD compares: African/African-American, 0.0018%; no homozygotes.

Submission:

GeneDx
Classification: Uncertain significance. Last evaluated: 2022-06-01. Review status: criteria provided, single submitter. Criteria: GeneDx Variant Classification Process June 2021. Collection method: clinical testing. Allele origin: germline. Affected: yes.
Comment: Not observed at significant frequency in large population cohorts (gnomAD); In silico analysis supports that this missense variant does not alter protein structure/function; Has not been previously published as pathogenic or benign to our knowledge